The following is an entry in ClinVar:

NM_007272.3(CTRC):c.296C>T (p.Ser99Phe)

Gene: CTRC (chymotrypsin C; plus strand). Cytogenetic location: 1p36.21.
Variant type: single nucleotide variant.
Coding change: c.296C>T on transcript NM_007272.3 (MANE Select); coding-DNA position 296, C replaced by T.
Protein change: p.Ser99Phe; replaces serine 99 with phenylalanine.
Molecular consequence: missense variant.
Genome position (GRCh38, 1-based): chr1:15,442,512, C>T. VCF-style: chr1-15442512-C-T. GRCh37 (hg19) VCF-style: chr1-15769008-C-T.
Other names: short protein forms S99F.
Identifiers: ClinVar variation 4008109 (VCV004008109.1).
Genomic context (GRCh38, chr1:15,442,512, plus strand): 5'-CCCGGACCTACCGTGTGGCCGTGGGAAAGAACAACCTGGAGGTGGAAGACGAAGAAGGAT[C>T]CCTGTTTGTGGGTGTGGACACCATCCACGTCCACAAGAGATGGAATGCCCTCCTGTTGCG-3'
Protein context (NP_009203.2, residues 89-109): NNLEVEDEEG[Ser99Phe]LFVGVDTIHV

ClinVar aggregate classification (germline): Uncertain significance (1 of 4 stars; one submission).

Conditions:
Hereditary pancreatitis (PCTT). Also called: Hereditary chronic pancreatitis; PRSS1-Related Hereditary Pancreatitis. Identifiers: Orphanet 676, MedGen C0238339, MONDO:0008185, OMIM 167800.

Submission:

Ambry Genetics
Classification: Uncertain significance for Hereditary pancreatitis. Last evaluated: 2025-05-23. Review status: criteria provided, single submitter. Criteria: Ambry Variant Classification Scheme 2023. Collection method: clinical testing. Allele origin: germline.
Comment: The p.S99F variant (also known as c.296C>T), located in coding exon 4 of the CTRC gene, results from a C to T substitution at nucleotide position 296. The serine at codon 99 is replaced by phenylalanine, an amino acid with highly dissimilar properties. This amino acid position is conserved. In addition, this alteration is predicted to be tolerated by in silico analysis. Based on the available evidence, the clinical significance of this variant remains unclear.